The following is an entry in ClinVar:

NM_001145664.2(RFX8):c.466G>A (p.Gly156Ser)

Gene: RFX8 (regulatory factor X8; minus strand). Cytogenetic location: 2q11.2.
Variant type: single nucleotide variant.
Coding change: c.466G>A on transcript NM_001145664.2 (MANE Select); coding-DNA position 466, G replaced by A.
Protein change: p.Gly156Ser; replaces glycine 156 with serine.
Molecular consequence: missense variant. On other transcripts: synonymous variant (3).
Genome position (GRCh38, 1-based): chr2:101,417,570, C>T on the plus strand (G>A on the coding strand, the complement: RFX8 is on the minus strand). VCF-style: chr2-101417570-C-T. GRCh37 (hg19) VCF-style: chr2-102034032-C-T.
Other names: c.12G>A, p.Lys4= (NM_001367508.1, NM_001367509.1, NM_001367510.1); c.466G>A (NM_001145664.1); short protein forms G156S.
Identifiers: ClinVar variation 3026849 (VCV003026849.23), dbSNP rs2466933501, ClinGen allele CA347974828.

ClinVar aggregate classification (germline): Uncertain significance. Review status: criteria provided, multiple submitters, no conflicts (2 of 4 stars). 2 submissions from 2 submitters: Uncertain significance (2). Last evaluated 2024-01-16.

Allele frequency attached by ClinVar (database versions not stated): gnomAD exomes below 0.00001.

Submissions (2):

Ambry Genetics
Classification: Uncertain significance. Last evaluated: 2024-01-16. Review status: criteria provided, single submitter. Criteria: Ambry Variant Classification Scheme 2023. Collection method: clinical testing. Allele origin: germline.

CeGaT Center for Human Genetics Tuebingen
Classification: Uncertain significance. Last evaluated: 2024-01-01. Review status: criteria provided, single submitter. Criteria: CeGaT Center For Human Genetics Tuebingen Variant Classification Criteria Version 2. Collection method: clinical testing. Allele origin: germline. Affected: yes. Observed: 1 variant allele.
Comment: RFX8: PM2, BP4